The following is an entry in ClinVar:

NM_031372.4(HNRNPDL):c.733T>C (p.Ser245Pro)

Gene: HNRNPDL (heterogeneous nuclear ribonucleoprotein D like; minus strand). Cytogenetic location: 4q21.22.
Variant type: single nucleotide variant.
Coding change: c.733T>C on transcript NM_031372.4 (MANE Select); coding-DNA position 733, T replaced by C.
Protein change: p.Ser245Pro; replaces serine 245 with proline.
Molecular consequence: missense variant. On other transcripts: non-coding transcript variant (1).
Genome position (GRCh38, 1-based): chr4:82,428,059, A>G on the plus strand (T>C on the coding strand, the complement: HNRNPDL is on the minus strand). VCF-style: chr4-82428059-A-G. GRCh37 (hg19) VCF-style: chr4-83349212-A-G.
Other names: c.733T>C, p.Ser245Pro (NM_001207000.1); short protein forms S245P.
Identifiers: ClinVar variation 2760721 (VCV002760721.3), dbSNP rs2530016961, ClinGen allele CA357170572.

ClinVar aggregate classification (germline): Uncertain significance (1 of 4 stars; one submission).

Conditions:
Autosomal dominant limb-girdle muscular dystrophy type 1G (LGMDD3). Also called: Limb-girdle muscular dystrophy, type 1G; MUSCULAR DYSTROPHY, LIMB-GIRDLE, AUTOSOMAL DOMINANT 3. Identifiers: Orphanet 55596, MedGen C1836765, MONDO:0012193, OMIM 609115.

Submission:

Labcorp Genetics (formerly Invitae), Labcorp
Classification: Uncertain significance for Autosomal dominant limb-girdle muscular dystrophy type 1G. Last evaluated: 2023-10-22. Review status: criteria provided, single submitter. Criteria: Invitae Variant Classification Sherloc (09022015). Collection method: clinical testing. Allele origin: germline.
Comment: This sequence change replaces serine, which is neutral and polar, with proline, which is neutral and non-polar, at codon 245 of the HNRNPDL protein (p.Ser245Pro). This variant is not present in population databases (gnomAD no frequency). This variant has not been reported in the literature in individuals affected with HNRNPDL-related conditions. An algorithm developed to predict the effect of missense changes on protein structure and function (PolyPhen-2) suggests that this variant is likely to be tolerated. In summary, the available evidence is currently insufficient to determine the role of this variant in disease. Therefore, it has been classified as a Variant of Uncertain Significance.